The following is an entry in ClinVar:

NM_021815.5(SLC5A7):c.1726G>A (p.Glu576Lys)

Gene: SLC5A7 (solute carrier family 5 member 7; plus strand). Cytogenetic location: 2q12.3.
Variant type: single nucleotide variant.
Coding change: c.1726G>A on transcript NM_021815.5 (MANE Select); coding-DNA position 1726, G replaced by A.
Protein change: p.Glu576Lys; replaces glutamic acid 576 with lysine.
Molecular consequence: missense variant.
Genome position (GRCh38, 1-based): chr2:108,010,844, G>A. VCF-style: chr2-108010844-G-A. GRCh37 (hg19) VCF-style: chr2-108627300-G-A.
Other names: c.1726G>A, p.Glu576Lys (NM_001305005.3); c.1411G>A, p.Glu471Lys (NM_001305006.3); c.985G>A, p.Glu329Lys (NM_001305007.3); short protein forms E471K, E329K, E576K.
Identifiers: ClinVar variation 1469488 (VCV001469488.8), dbSNP rs763725923, ClinGen allele CA1819221.

ClinVar aggregate classification (germline): Uncertain significance (1 of 4 stars; one submission).

Conditions:
Neuronopathy, distal hereditary motor, type 7A. Also called: SPINAL MUSCULAR ATROPHY, DISTAL, WITH VOCAL CORD PARALYSIS; Neuronopathy, distal hereditary motor, type viia; NEURONOPATHY, DISTAL HEREDITARY MOTOR, HARDING TYPE VIIA; HARPER-YOUNG MYOPATHY; HMN VIIA; NEUROPATHY, DISTAL HEREDITARY MOTOR, HARDING TYPE VIIA. Identifiers: Orphanet 139589, MedGen C1834703, MONDO:0008024, OMIM 158580.
Congenital myasthenic syndrome 20. Also called: Myasthenic syndrome, congenital, 20, presynaptic. Identifiers: MedGen C4310694, MONDO:0014939, OMIM 617143.

Allele frequency attached by ClinVar (database versions not stated): gnomAD exomes below 0.00001; ExAC 0.00001.

Submission:

Labcorp Genetics (formerly Invitae), Labcorp
Classification: Uncertain significance for Neuronopathy, distal hereditary motor, type 7A; Congenital myasthenic syndrome 20. Last evaluated: 2023-12-13. Review status: criteria provided, single submitter. Criteria: Invitae Variant Classification Sherloc (09022015). Collection method: clinical testing. Allele origin: germline.
Comment: This sequence change replaces glutamic acid, which is acidic and polar, with lysine, which is basic and polar, at codon 576 of the SLC5A7 protein (p.Glu576Lys). This variant is present in population databases (rs763725923, gnomAD 0.001%). This variant has not been reported in the literature in individuals affected with SLC5A7-related conditions. ClinVar contains an entry for this variant (Variation ID: 1469488). An algorithm developed to predict the effect of missense changes on protein structure and function (PolyPhen-2) suggests that this variant is likely to be tolerated. In summary, the available evidence is currently insufficient to determine the role of this variant in disease. Therefore, it has been classified as a Variant of Uncertain Significance.